The following is an entry in ClinVar:

NM_000393.5(COL5A2):c.1220C>G (p.Thr407Ser)

Gene: COL5A2 (collagen type V alpha 2 chain; minus strand). Cytogenetic location: 2q32.2.
Variant type: single nucleotide variant.
Coding change: c.1220C>G on transcript NM_000393.5 (MANE Select); coding-DNA position 1220, C replaced by G.
Protein change: p.Thr407Ser; replaces threonine 407 with serine.
Molecular consequence: missense variant.
Genome position (GRCh38, 1-based): chr2:189,068,823, G>C on the plus strand (C>G on the coding strand, the complement: COL5A2 is on the minus strand). VCF-style: chr2-189068823-G-C. GRCh37 (hg19) VCF-style: chr2-189933549-G-C.
Other names: short protein forms T407S.
Identifiers: ClinVar variation 3767071 (VCV003767071.1).
Genomic context (GRCh38, chr2:189,068,823, plus strand): 5'-TCTTAAATATGCTAGAAACTTACAGGAAGACCTGGAGAGCCAACTGGACCTGGGGGCCCA[G>C]TTTCACCTCTCTGCCCCTGAGGACCTTCAGGGCCTCGCGCCCCTGTAGGACCTGCTTCTC-3'
Protein context (NP_000384.2, residues 397-417): PEGPQGQRGE[Thr407Ser]GPPGPVGSPG

ClinVar aggregate classification (germline): Uncertain significance (1 of 4 stars; one submission).

Conditions:
Ehlers-Danlos syndrome, classic type, 2 (EDSCL2). Also called: Ehlers-Danlos syndrome, type 2; Ehlers-Danlos Syndrome, Classic Type, COL5A2-Related; Ehlers-Danlos syndrome type 2 (formerly). Identifiers: Orphanet 287, Orphanet 90318, MedGen C0268336, MONDO:0019568, OMIM 130010.

gnomAD v4.1: 1 of 1,613,316 alleles (0.000062%); highest among the groups gnomAD compares: Non-Finnish European, 0.000085%; no homozygotes.

Submission:

ARUP Laboratories, Molecular Genetics and Genomics, ARUP Laboratories
Classification: Uncertain significance for Ehlers-Danlos syndrome, classic type, 2. Last evaluated: 2024-01-29. Review status: criteria provided, single submitter. Criteria: ARUP Molecular Germline Variant Investigation Process 2024. Collection method: clinical testing. Allele origin: germline.
Comment: The COL5A2 c.1220C>G; p.Thr407Ser variant (rs760483805), to our knowledge, is not reported in the medical literature or gene specific databases. This variant is absent from the Genome Aggregation Database (v2.1.1), indicating it is not a common polymorphism. Computational analyses are uncertain whether this variant is neutral or deleterious (REVEL: 0.374). Due to limited information, the clinical significance of this variant is uncertain at this time.